The following is an entry in ClinVar:

ClinVar aggregate classification (germline): Likely benign (1 of 4 stars; one submission).

gnomAD v4.1: 36 of 1,607,610 alleles (0.0022%); highest among the groups gnomAD compares: Admixed American, 0.0068%; no homozygotes.

Submission:

CeGaT Center for Human Genetics Tuebingen
Classification: Likely benign. Last evaluated: 2026-07-01. Review status: criteria provided, single submitter. Criteria: CeGaT Center For Human Genetics Tuebingen Variant Classification Criteria Version 2. Collection method: clinical testing. Allele origin: germline. Affected: yes. Observed: 1 variant allele.
Comment: HERC2: BP4, BP7

NM_004667.6(HERC2):c.198C>T (p.Val66=)

Gene: HERC2 (HECT and RLD domain containing E3 ubiquitin protein ligase 2; minus strand). Cytogenetic location: 15q13.1.
Variant type: single nucleotide variant.
Coding change: c.198C>T on transcript NM_004667.6 (MANE Select); coding-DNA position 198, C replaced by T.
Protein change: p.Val66=; no amino-acid change (valine 66 retained).
Molecular consequence: synonymous variant.
Genome position (GRCh38, 1-based): chr15:28,293,012, G>A on the plus strand (C>T on the coding strand, the complement: HERC2 is on the minus strand). VCF-style: chr15-28293012-G-A. GRCh37 (hg19) VCF-style: chr15-28538158-G-A.
Identifiers: ClinVar variation 5039633 (VCV005039633.1).